The following is an entry in ClinVar:

ClinVar aggregate classification (germline): Uncertain significance (1 of 4 stars; one submission).

Conditions:
RASopathy. Also called: rasopathies; Noonan spectrum disorder. Identifiers: Orphanet 536391, MedGen C5555857, MONDO:0021060.

Submission:

Labcorp Genetics (formerly Invitae), Labcorp
Classification: Uncertain significance for RASopathy. Last evaluated: 2022-03-07. Review status: criteria provided, single submitter. Criteria: Invitae Variant Classification Sherloc (09022015). Collection method: clinical testing. Allele origin: germline.
Comment: In summary, the available evidence is currently insufficient to determine the role of this variant in disease. Therefore, it has been classified as a Variant of Uncertain Significance. Algorithms developed to predict the effect of sequence changes on RNA splicing suggest that this variant may disrupt the consensus splice site. This variant has not been reported in the literature in individuals affected with MAP2K2-related conditions. This variant is not present in population databases (gnomAD no frequency). This sequence change creates a premature translational stop signal (p.Asn203Lysfs*3) in the MAP2K2 gene. It is expected to result in an absent or disrupted protein product. However, the current clinical and genetic evidence is not sufficient to establish whether loss-of-function variants in MAP2K2 cause disease.

NM_030662.4(MAP2K2):c.608dup (p.Asn203fs)

Gene: MAP2K2 (mitogen-activated protein kinase kinase 2; minus strand). Cytogenetic location: 19p13.3.
Variant type: Duplication.
Coding change: c.608dup on transcript NM_030662.4 (MANE Select); coding-DNA position 608, one base duplicated (A; older notation c.608dupA).
Protein change: p.Asn203fs; shifts the reading frame from asparagine 203.
Molecular consequence: frameshift variant.
Genome position (GRCh38, 1-based): chr19:4,101,116, T duplicated on the plus strand (A on the coding strand, the reverse complement: MAP2K2 is on the minus strand); the first of 2 consecutive T bases (chr19:4,101,116-4,101,117); duplicating either gives the same sequence. VCF-style (leftmost placement, unchanged base first): chr19-4101115-G-GT. GRCh37 (hg19) VCF-style: chr19-4101113-G-GT.
Other names: short protein forms N203fs.
Identifiers: ClinVar variation 1468153 (VCV001468153.6), dbSNP rs2145054379, ClinGen allele CA2573155870.
Genomic context (GRCh38, chr19:4,101,115, plus strand): 5'-CATGGAGTCGATGAGCTGGCCGCTCACCCCGAAGTCACACAGCTTGATCTCCCCTCTAGA[G>GT]TTCACGAGGATGTTGGAGGGCTTCACATCTGGAGGCGGCAGGCTGCGGGTGAGGGGCGCC-3'